The following is an entry in ClinVar:

ClinVar aggregate classification (germline): Uncertain significance (1 of 4 stars; one submission).

Submission:

Labcorp Genetics (formerly Invitae), Labcorp
Classification: Uncertain significance. Last evaluated: 2025-08-13. Review status: criteria provided, single submitter. Criteria: Invitae Variant Classification Sherloc (09022015). Collection method: clinical testing. Allele origin: germline.
Comment: This sequence change replaces leucine, which is neutral and non-polar, with valine, which is neutral and non-polar, at codon 412 of the TRPV6 protein (p.Leu412Val). This variant is not present in population databases (gnomAD no frequency). This variant has not been reported in the literature in individuals affected with TRPV6-related conditions. Experimental studies and prediction algorithms are not available or were not evaluated, and the functional significance of this variant is currently unknown. Algorithms developed to predict the effect of sequence changes on RNA splicing suggest that this variant may disrupt the consensus splice site. In summary, the available evidence is currently insufficient to determine the role of this variant in disease. Therefore, it has been classified as a Variant of Uncertain Significance.

NM_018646.6(TRPV6):c.1234C>G (p.Leu412Val)

Gene: TRPV6 (transient receptor potential cation channel subfamily V member 6; minus strand). Cytogenetic location: 7q34.
Variant type: single nucleotide variant.
Coding change: c.1234C>G on transcript NM_018646.6 (MANE Select); coding-DNA position 1234, C replaced by G.
Protein change: p.Leu412Val; replaces leucine 412 with valine.
Molecular consequence: missense variant.
Genome position (GRCh38, 1-based): chr7:142,875,476, G>C on the plus strand (C>G on the coding strand, the complement: TRPV6 is on the minus strand). VCF-style: chr7-142875476-G-C. GRCh37 (hg19) VCF-style: chr7-142573229-G-C.
Other names: short protein forms L412V.
Identifiers: ClinVar variation 4803282 (VCV004803282.1).
Genomic context (GRCh38, chr7:142,875,476, plus strand): 5'-AGGACAGAGAGCCAAGTCCTGCCCTGCTGATCTGCTCCTACAAGGGTGTCACCTGAAGTA[G>C]CTTCTGCTGTAAGAGGGTGTTGTCCCGGGGGCTCGTGCGGTTATTGGTCCTGGGCTTGAG-3'
Protein context (NP_061116.5, residues 402-422): PRDNTLLQQK[Leu412Val]LQEAYMTPKD